The following is an entry in ClinVar:

ClinVar aggregate classification (germline): Benign/Likely benign. Review status: criteria provided, multiple submitters, no conflicts (2 of 4 stars). 2 submissions from 2 submitters: Benign (1); Likely benign (1). Last evaluated 2026-01-26.

Conditions:
3M syndrome 2. Also called: 3-M Syndrome, OBSL1-Related; THREE M SYNDROME 2. Identifiers: Orphanet 2616, MedGen C2752041, MONDO:0013039, OMIM 612921.

Allele frequency attached by ClinVar (database versions not stated): 1000 Genomes Project 0.00280; 1000 Genomes Project 30x 0.00312; gnomAD 0.00015 and 0.00030; TOPMed 0.00028; gnomAD exomes 0.00044; ExAC 0.00048.
gnomAD v4.1: 219 of 1,592,818 alleles (0.014%); highest among the groups gnomAD compares: East Asian, 0.33%; 1 homozygote.

Submissions (2):

Labcorp Genetics (formerly Invitae), Labcorp
Classification: Benign. Last evaluated: 2026-01-26. Review status: criteria provided, single submitter. Criteria: Invitae Variant Classification Sherloc (09022015). Collection method: clinical testing. Allele origin: germline.

Illumina Laboratory Services, Illumina
Classification: Likely benign for 3M syndrome 2. Last evaluated: 2018-01-13. Review status: criteria provided, single submitter. Criteria: ICSL Variant Classification Criteria 13 December 2019. Collection method: clinical testing. Allele origin: germline.
Comment: This variant was observed in the ICSL laboratory as part of a predisposition screen in an ostensibly healthy population. It had not been previously curated by ICSL or reported in the Human Gene Mutation Database (HGMD: prior to June 1st, 2018), and was therefore a candidate for classification through an automated scoring system. Utilizing variant allele frequency, disease prevalence and penetrance estimates, and inheritance mode, an automated score was calculated to assess if this variant is too frequent to cause the disease. Based on the score and internal cut-off values, a variant classified as likely benign is not then subjected to further curation. The score for this variant resulted in a classification of likely benign for this disease.

NM_015311.3(OBSL1):c.5308+12T>G

Genes: OBSL1 (obscurin like cytoskeletal adaptor 1; minus strand), LOC129935660 (ATAC-STARR-seq lymphoblastoid silent region 12361; plus strand). Cytogenetic location: 2q35.
Variant type: single nucleotide variant.
Coding change: c.5308+12T>G on transcript NM_015311.3 (MANE Select); 12 bases into the intron after coding-DNA position 5308, T replaced by G.
Molecular consequence: intron variant.
Genome position (GRCh38, 1-based): chr2:219,552,524, A>C on the plus strand (T>G on the coding strand, the complement: OBSL1 is on the minus strand). VCF-style: chr2-219552524-A-C. GRCh37 (hg19) VCF-style: chr2-220417246-A-C.
Identifiers: ClinVar variation 897530 (VCV000897530.11), dbSNP rs377219196, ClinGen allele CA2130298.